The following is an entry in ClinVar:

ClinVar aggregate classification (germline): Likely benign (1 of 4 stars; one submission).

Allele frequency attached by ClinVar (database versions not stated): 1000 Genomes Project 30x 0.00109; 1000 Genomes Project 0.00120; TOPMed 0.00231; gnomAD 0.00255; ExAC 0.00273; ESP Exome Variant Server 0.00292; gnomAD exomes 0.00310.
gnomAD v4.1: 4,839 of 1,613,194 alleles (0.3%); highest among the groups gnomAD compares: Middle Eastern, 0.55%; 8 homozygotes.

Submission:

CeGaT Center for Human Genetics Tuebingen
Classification: Likely benign. Last evaluated: 2023-04-01. Review status: criteria provided, single submitter. Criteria: CeGaT Center For Human Genetics Tuebingen Variant Classification Criteria Version 2. Collection method: clinical testing. Allele origin: germline. Affected: yes. Observed: 3 variant alleles.
Comment: USP6: BP4, BP7, BS2

NM_001304284.2(USP6):c.1239G>A (p.Thr413=)

Gene: USP6 (ubiquitin specific peptidase 6; plus strand). Cytogenetic location: 17p13.2.
Variant type: single nucleotide variant.
Coding change: c.1239G>A on transcript NM_001304284.2 (MANE Select); coding-DNA position 1239, G replaced by A.
Protein change: p.Thr413=; no amino-acid change (threonine 413 retained).
Molecular consequence: synonymous variant.
Genome position (GRCh38, 1-based): chr17:5,139,415, G>A. VCF-style: chr17-5139415-G-A. GRCh37 (hg19) VCF-style: chr17-5042710-G-A.
Other names: c.1239G>A, p.Thr413= (NM_001039674.1, NM_004505.4).
Identifiers: ClinVar variation 2647290 (VCV002647290.24), dbSNP rs144340307, ClinGen allele CA8321312.
Genomic context (GRCh38, chr17:5,139,415, plus strand): 5'-AGCCCAGTTCCAGCGGCCCATTTGCTCAGCTTCCCCGCCATGGGCATCTCGTTTTTCCAC[G>A]CCCTGTCCTGGTGGGGCTGTCCGGGAAGACACGTACCCTGTGGGCACTCAGGGTGTGCCC-3'
Protein context (NP_001291213.1, residues 403-423): ASPPWASRFS[Thr413=]PCPGGAVRED